The following is an entry in ClinVar:

ClinVar aggregate classification (germline): Likely benign. Review status: criteria provided, multiple submitters, no conflicts (2 of 4 stars). 2 submissions from 2 submitters: Likely benign (2). Last evaluated 2018-06-14.

Allele frequency attached by ClinVar (database versions not stated): gnomAD 0.01748 and 0.01961; TOPMed 0.02011; gnomAD exomes 0.02289; 1000 Genomes Project 30x 0.02936; 1000 Genomes Project 0.03195.

Submissions (2):

GeneDx
Classification: Likely benign. Last evaluated: 2018-06-14. Review status: criteria provided, single submitter. Criteria: GeneDx Variant Classification (06012015). Collection method: clinical testing. Allele origin: germline. Affected: yes.
Comment: This variant is considered likely benign or benign based on one or more of the following criteria: it is a conservative change, it occurs at a poorly conserved position in the protein, it is predicted to be benign by multiple in silico algorithms, and/or has population frequency not consistent with disease.

Breakthrough Genomics
Classification: Likely benign. Review status: criteria provided, single submitter. Criteria: ACMG Guidelines, 2015. Collection method: not provided. Allele origin: germline. Inheritance: Autosomal recessive inheritance. Affected: yes.

NM_177550.5(SLC13A5):c.103-61T>C

Gene: SLC13A5 (solute carrier family 13 member 5; minus strand). Cytogenetic location: 17p13.1.
Variant type: single nucleotide variant.
Coding change: c.103-61T>C on transcript NM_177550.5 (MANE Select); 61 bases into the intron before coding-DNA position 103, T replaced by C.
Molecular consequence: intron variant.
Genome position (GRCh38, 1-based): chr17:6,707,217, A>G on the plus strand (T>C on the coding strand, the complement: SLC13A5 is on the minus strand). VCF-style: chr17-6707217-A-G. GRCh37 (hg19) VCF-style: chr17-6610536-A-G.
Other names: c.103-439T>C (NM_001284510.2); c.103-61T>C (NM_001284509.2, NM_001143838.3).
Identifiers: ClinVar variation 672896 (VCV000672896.2), dbSNP rs62061541, ClinGen allele CA287397391.